The following is an entry in ClinVar:

NM_005868.6(BET1):c.213dup (p.Asp72Ter)

Gene: BET1 (Bet1 golgi vesicular membrane trafficking protein; minus strand). Cytogenetic location: 7q21.3.
Variant type: Duplication.
Coding change: c.213dup on transcript NM_005868.6 (MANE Select); coding-DNA position 213, one base duplicated (T; older notation c.213dupT).
Protein change: p.Asp72Ter; replaces aspartic acid 72 with a stop codon.
Molecular consequence: nonsense. On other transcripts: non-coding transcript variant (1).
Genome position (GRCh38, 1-based): chr7:93,994,374, A duplicated on the plus strand (T on the coding strand, the reverse complement: BET1 is on the minus strand); the first of 3 consecutive A bases (chr7:93,994,374-93,994,376); duplicating any one gives the same sequence. VCF-style (leftmost placement, unchanged base first): chr7-93994373-C-CA. GRCh37 (hg19) VCF-style: chr7-93623685-C-CA.
Other names: c.213dup, p.Asp72Ter (NM_001317739.2); c.213dupT (NM_005868.6); short protein forms D72*.
Identifiers: ClinVar variation 4849350 (VCV004849350.1).

ClinVar aggregate classification (germline): Likely pathogenic (1 of 4 stars; one submission).

Conditions:
Muscular dystrophy, congenital, with rapid progression (MDRP). Identifiers: MedGen C1850840, MONDO:0009682, OMIM 254100.

Submission:

First Genomix Gene Laboratory, Genetic Diagnostics Department
Classification: Likely pathogenic for Muscular dystrophy, congenital, with rapid progression. Last evaluated: 2025-07-10. Review status: criteria provided, single submitter. Criteria: ACMG Guidelines, 2015. Collection method: clinical testing. Allele origin: germline. Inheritance: Autosomal recessive inheritance. Affected: no. Observed: 1 variant allele.